The following is an entry in ClinVar:

NM_000051.4(ATM):c.8948C>A (p.Thr2983Asn)

Genes: C11orf65 (chromosome 11 open reading frame 65; minus strand), ATM (ATM serine/threonine kinase; plus strand). Cytogenetic location: 11q22.3.
Variant type: single nucleotide variant.
Coding change: c.8948C>A on transcript NM_000051.4 (MANE Select); coding-DNA position 8948, C replaced by A.
Protein change: p.Thr2983Asn; replaces threonine 2983 with asparagine.
Molecular consequence: missense variant. On other transcripts: intron variant (2).
Genome position (GRCh38, 1-based): chr11:108,365,179, C>A. VCF-style: chr11-108365179-C-A. GRCh37 (hg19) VCF-style: chr11-108235906-C-A.
Other names: c.8948C>A, p.Thr2983Asn (NM_001351834.2); c.640+20741G>T (NM_001330368.2); c.694+20741G>T (NM_001351110.2); short protein forms T2983N.
Identifiers: ClinVar variation 921081 (VCV000921081.12), dbSNP rs1472935232, ClinGen allele CA382530190.

ClinVar aggregate classification (germline): Conflicting classifications of pathogenicity. Review status: criteria provided, conflicting classifications (1 of 4 stars). 3 submissions from 3 submitters: Uncertain significance (2); Likely benign (1). Last evaluated 2026-07-22.

Conditions:
Hereditary cancer-predisposing syndrome. Also called: Tumor predisposition; Neoplastic Syndromes, Hereditary; Hereditary neoplastic syndrome; Hereditary Cancer Syndrome. Identifiers: Orphanet 140162, MedGen C0027672, MeSH D009386, MONDO:0015356.
Ataxia-telangiectasia syndrome (AT). Also called: Ataxia-telangiectasia, complementation group D; AT, COMPLEMENTATION GROUP C; ATAXIA-TELANGIECTASIA, COMPLEMENTATION GROUP A; ATAXIA-TELANGIECTASIA, FRESNO VARIANT; Ataxia-telangiectasia; Ataxia telangiectasia (A-T). Identifiers: Orphanet 100, MedGen C0004135, MONDO:0008840, OMIM 208900.

Allele frequency attached by ClinVar (database versions not stated): gnomAD 0.00001; gnomAD exomes below 0.00001.
gnomAD v4.1: 2 of 1,614,098 alleles (0.00012%); highest among the groups gnomAD compares: African/African-American, 0.0013%; no homozygotes.

Submissions (3):

Ambry Genetics
Classification: Likely benign for Hereditary cancer-predisposing syndrome. Last evaluated: 2026-07-22. Review status: criteria provided, single submitter. Criteria: Ambry Variant Classification Scheme 2023. Collection method: clinical testing. Allele origin: germline.

Labcorp Genetics (formerly Invitae), Labcorp
Classification: Uncertain significance for Ataxia-telangiectasia syndrome. Last evaluated: 2024-10-28. Review status: criteria provided, single submitter. Criteria: Invitae Variant Classification Sherloc (09022015). Collection method: clinical testing. Allele origin: germline.
Comment: This sequence change replaces threonine, which is neutral and polar, with asparagine, which is neutral and polar, at codon 2983 of the ATM protein (p.Thr2983Asn). This variant is present in population databases (no rsID available, gnomAD 0.003%). This variant has not been reported in the literature in individuals affected with ATM-related conditions. ClinVar contains an entry for this variant (Variation ID: 921081). Invitae Evidence Modeling of protein sequence and biophysical properties (such as structural, functional, and spatial information, amino acid conservation, physicochemical variation, residue mobility, and thermodynamic stability) indicates that this missense variant is not expected to disrupt ATM protein function with a negative predictive value of 95%. In summary, the available evidence is currently insufficient to determine the role of this variant in disease. Therefore, it has been classified as a Variant of Uncertain Significance.

Color Diagnostics, LLC DBA Color Health
Classification: Uncertain significance for Hereditary cancer-predisposing syndrome. Last evaluated: 2024-03-06. Review status: criteria provided, single submitter. Criteria: ACMG Guidelines, 2015. Collection method: clinical testing. Allele origin: germline.
Comment: This missense variant replaces threonine with asparagine at codon 2983 of the ATM protein. Computational prediction tool suggests that this variant may not impact protein structure and function (internally defined REVEL score threshold <=0.5, PMID: 27666373). Splice site prediction tools suggest that this variant may not impact RNA splicing. To our knowledge, functional studies have not been performed for this variant. This variant has not been reported in individuals affected with hereditary cancer in the literature. This variant has been identified in 1/251398 chromosomes in the general population by the Genome Aggregation Database (gnomAD). The available evidence is insufficient to determine the role of this variant in disease conclusively. Therefore, this variant is classified as a Variant of Uncertain Significance.